The following is an entry in ClinVar:

NM_001372.4(DNAH9):c.1313G>A (p.Arg438Gln)

Gene: DNAH9 (dynein axonemal heavy chain 9; plus strand). Cytogenetic location: 17p12.
Variant type: single nucleotide variant.
Coding change: c.1313G>A on transcript NM_001372.4 (MANE Select); coding-DNA position 1313, G replaced by A.
Protein change: p.Arg438Gln; replaces arginine 438 with glutamine.
Molecular consequence: missense variant.
Genome position (GRCh38, 1-based): chr17:11,619,744, G>A. VCF-style: chr17-11619744-G-A. GRCh37 (hg19) VCF-style: chr17-11523061-G-A.
Other names: c.1313G>A (NM_001372.3); short protein forms R438Q.
Identifiers: ClinVar variation 1639922 (VCV001639922.11), dbSNP rs114505681, ClinGen allele CA8394796.

ClinVar aggregate classification (germline): Likely benign. Review status: criteria provided, multiple submitters, no conflicts (2 of 4 stars). 3 submissions from 3 submitters: Likely benign (2). 1 of the submissions does not count toward it. Last evaluated 2026-01-22.

Conditions:
DNAH9-related disorder. Also called: DNAH9-related condition.

Allele frequency attached by ClinVar (database versions not stated): gnomAD exomes 0.00019 and 0.00041; ExAC 0.00054; gnomAD 0.00135 and 0.00146; TOPMed 0.00186; 1000 Genomes Project 30x 0.00187; 1000 Genomes Project 0.00200; ESP Exome Variant Server 0.00200.
gnomAD v4.1: 507 of 1,613,796 alleles (0.031%); highest among the groups gnomAD compares: African/African-American, 0.5%; 2 homozygotes.

Submissions (3):

Labcorp Genetics (formerly Invitae), Labcorp
Classification: Likely benign. Last evaluated: 2026-01-22. Review status: criteria provided, single submitter. Criteria: Invitae Variant Classification Sherloc (09022015). Collection method: clinical testing. Allele origin: germline.

Blueprint Genetics
Classification: Likely benign. Last evaluated: 2024-05-28. Review status: criteria provided, single submitter. Criteria: ACMG Guidelines, 2015. Collection method: clinical testing. Allele origin: germline.

PreventionGenetics, part of Exact Sciences
Classification: Likely benign for DNAH9-related condition. Last evaluated: 2021-01-22. Review status: no assertion criteria provided. Collection method: clinical testing. Allele origin: germline. Not counted in ClinVar's aggregate classification.
Comment: This variant is classified as likely benign based on ACMG/AMP sequence variant interpretation guidelines (Richards et al. 2015 PMID: 25741868, with internal and published modifications).